The following is an entry in ClinVar:

ClinVar aggregate classification (germline): Likely pathogenic. Review status: reviewed by expert panel (3 of 4 stars). 2 submissions from 2 submitters: Likely pathogenic (1). 1 of the submissions does not count toward it. Last evaluated 2026-10-05.

Conditions:
Hereditary thrombocytopenia and hematologic cancer predisposition syndrome. Identifiers: Orphanet 71290, MedGen CN281654, MONDO:0011071.
Hereditary thrombocytopenia and hematological cancer predisposition syndrome associated with RUNX1. Also called: PLATELET DISORDER, ASPIRIN-LIKE; Familial Platelet Disorder with Propensity to Acute Myelogenous Leukemia; Familial thrombocytopenia with propensity to acute myelogenous leukemia; RUNX1 Familial Platelet Disorder with Associated Myeloid Malignancies. Identifiers: Orphanet 71290, MedGen C1832388, MeSH C563324, MONDO:0100083, OMIM 601399.

Submissions (2):

ClinGen Myeloid Malignancy Variant Curation Expert Panel
Classification: Likely pathogenic for Hereditary thrombocytopenia and hematologic cancer predisposition syndrome. Last evaluated: 2026-10-05. Review status: reviewed by expert panel. Criteria: ClinGen MyeloMalig ACMG Specifications V3.1. Collection method: curation. Allele origin: germline. Inheritance: Autosomal dominant inheritance.
Comment: NM_001754.5(RUNX1):c.551_552insTACCACAGAGCCATCTGTG (p.Gln185ThrfsTer34) is a frameshift variant which is not predicted to undergo NMD (PVS1_Strong). This variant is downstream of c.98 (PM5_Supporting) and is completely absent from all population databases with at least 20x coverage for RUNX1 (PM2_Supporting). In summary, this variant meets criteria to be classified as likely pathogenic. ACMG/AMP criteria applied, as specified by the ClinGen Myeloid Malignancy Variant Curation Expert Panel for RUNX1: PVS1_Strong, PM5_Supporting, PM2_Supporting.

Labcorp Genetics (formerly Invitae), Labcorp
Classification: Pathogenic for Hereditary thrombocytopenia and hematological cancer predisposition syndrome associated with RUNX1. Last evaluated: 2022-12-03. Review status: criteria provided, single submitter. Criteria: Invitae Variant Classification Sherloc (09022015). Collection method: clinical testing. Allele origin: germline. Not counted in ClinVar's aggregate classification.
Comment: For these reasons, this variant has been classified as Pathogenic. This variant has not been reported in the literature in individuals affected with RUNX1-related conditions. This variant is not present in population databases (gnomAD no frequency). This sequence change creates a premature translational stop signal (p.Gln185Thrfs*34) in the RUNX1 gene. It is expected to result in an absent or disrupted protein product. Loss-of-function variants in RUNX1 are known to be pathogenic (PMID: 18723428, 24100448).

Literature cited by the submitters: PubMed 18723428 (cited by Labcorp Genetics (formerly Invitae), Labcorp); PubMed 24100448 (cited by Labcorp Genetics (formerly Invitae), Labcorp).

NM_001754.5(RUNX1):c.551_552insTACCACAGAGCCATCTGTG (p.Gln185fs)

Genes: RUNX1 (RUNX family transcription factor 1; minus strand), RUNX1-AS1 (RUNX1 antisense RNA 1; plus strand). Cytogenetic location: 21q22.12.
Variant type: Insertion.
Coding change: c.551_552insTACCACAGAGCCATCTGTG on transcript NM_001754.5 (MANE Select); coding-DNA positions 551 to 552, TACCACAGAGCCATCTGTG inserted.
Protein change: p.Gln185fs; shifts the reading frame from glutamine 185.
Molecular consequence: frameshift variant.
Genome position: GRCh38 VCF-style: chr21-34859535-C-CCACAGATGGCTCTGTGGTA. GRCh37 (hg19) VCF-style: chr21-36231832-C-CCACAGATGGCTCTGTGGTA.
Other names: NM_001754.5(RUNX1):c.551_552insTACCACAGAGCCATCTGTG; p.Gln185fs; c.470_471insTACCACAGAGCCATCTGTG, p.Gln158fs (NM_001001890.3, NM_001122607.2); short protein forms Q158fs, Q185fs.
Identifiers: ClinVar variation 2808511 (VCV002808511.5), dbSNP rs2517273773, ClinGen allele CA2739267614.
Genomic context (GRCh38, chr21:34,859,535, plus strand): 5'-TCGAGGTTCTCGGGGCCCATCCACTGTGATTTTGATGGCTCTGTGGTAGGTGGCGACTTG[C>CCACAGATGGCTCTGTGGTA]GGTGGGTTTGTGAAGACAGTGATGGTCAGAGTGAAGCTTTTCCCTGTGGGGACACGATAG-3'